The following is an entry in ClinVar:

ClinVar aggregate classification (germline): Uncertain significance (1 of 4 stars; one submission).

Allele frequency attached by ClinVar (database versions not stated): TOPMed 0.00001.
gnomAD v4.1: 25 of 1,551,714 alleles (0.0016%); highest among the groups gnomAD compares: East Asian, 0.029%; no homozygotes.

Submission:

Labcorp Genetics (formerly Invitae), Labcorp
Classification: Uncertain significance. Last evaluated: 2024-07-06. Review status: criteria provided, single submitter. Criteria: Invitae Variant Classification Sherloc (09022015). Collection method: clinical testing. Allele origin: germline.
Comment: This sequence change replaces aspartic acid, which is acidic and polar, with asparagine, which is neutral and polar, at codon 1030 of the ADAMTS17 protein (p.Asp1030Asn). This variant is present in population databases (rs774568654, gnomAD 0.01%). This variant has not been reported in the literature in individuals affected with ADAMTS17-related conditions. ClinVar contains an entry for this variant (Variation ID: 1383739). An algorithm developed to predict the effect of missense changes on protein structure and function (PolyPhen-2) suggests that this variant is likely to be tolerated. In summary, the available evidence is currently insufficient to determine the role of this variant in disease. Therefore, it has been classified as a Variant of Uncertain Significance.

NM_139057.4(ADAMTS17):c.3088G>A (p.Asp1030Asn)

Gene: ADAMTS17 (ADAM metallopeptidase with thrombospondin type 1 motif 17; minus strand). Cytogenetic location: 15q26.3.
Variant type: single nucleotide variant.
Coding change: c.3088G>A on transcript NM_139057.4 (MANE Select); coding-DNA position 3088, G replaced by A.
Protein change: p.Asp1030Asn; replaces aspartic acid 1030 with asparagine.
Molecular consequence: missense variant.
Genome position (GRCh38, 1-based): chr15:99,976,084, C>T on the plus strand (G>A on the coding strand, the complement: ADAMTS17 is on the minus strand). VCF-style: chr15-99976084-C-T. GRCh37 (hg19) VCF-style: chr15-100516289-C-T.
Other names: short protein forms D1030N.
Identifiers: ClinVar variation 1383739 (VCV001383739.5), dbSNP rs774568654, ClinGen allele CA7757492.